The following is an entry in ClinVar:

NM_020745.4(AARS2):c.816G>T (p.Arg272Ser)

Gene: AARS2 (alanyl-tRNA synthetase 2, mitochondrial; minus strand). Cytogenetic location: 6p21.1.
Variant type: single nucleotide variant.
Coding change: c.816G>T on transcript NM_020745.4 (MANE Select); coding-DNA position 816, G replaced by T.
Protein change: p.Arg272Ser; replaces arginine 272 with serine.
Molecular consequence: missense variant.
Genome position (GRCh38, 1-based): chr6:44,310,377, C>A on the plus strand (G>T on the coding strand, the complement: AARS2 is on the minus strand). VCF-style: chr6-44310377-C-A. GRCh37 (hg19) VCF-style: chr6-44278114-C-A.
Other names: short protein forms R272S.
Identifiers: ClinVar variation 3252689 (VCV003252689.1), dbSNP rs2534712602.

ClinVar aggregate classification (germline): Uncertain significance (1 of 4 stars; one submission).

Submission:

GeneDx
Classification: Uncertain significance. Last evaluated: 2023-10-09. Review status: criteria provided, single submitter. Criteria: GeneDx Variant Classification Process June 2021. Collection method: clinical testing. Allele origin: germline. Affected: yes.
Comment: Not observed at significant frequency in large population cohorts (gnomAD); In silico analysis supports that this missense variant has a deleterious effect on protein structure/function; Has not been previously published as pathogenic or benign to our knowledge